The following is an entry in ClinVar:

ClinVar aggregate classification (germline): Uncertain significance (1 of 4 stars; one submission).

Conditions:
Hereditary cancer-predisposing syndrome. Also called: Neoplastic Syndromes, Hereditary; Tumor predisposition; Hereditary Cancer Syndrome; Hereditary neoplastic syndrome. Identifiers: Orphanet 140162, MedGen C0027672, MeSH D009386, MONDO:0015356.

Submission:

Ambry Genetics
Classification: Uncertain significance for Hereditary cancer-predisposing syndrome. Last evaluated: 2026-03-17. Review status: criteria provided, single submitter. Criteria: Ambry Variant Classification Scheme 2023. Collection method: clinical testing. Allele origin: germline.
Comment: The p.D232N variant (also known as c.694G>A), located in coding exon 7 of the EPCAM gene, results from a G to A substitution at nucleotide position 694. The aspartic acid at codon 232 is replaced by asparagine, an amino acid with highly similar properties. This amino acid position is conserved. In addition, this alteration is predicted to be tolerated by in silico analysis. Based on the available evidence, the clinical significance of this variant remains unclear.

NM_002354.3(EPCAM):c.694G>A (p.Asp232Asn)

Gene: EPCAM (epithelial cell adhesion molecule; plus strand). Cytogenetic location: 2p21.
Variant type: single nucleotide variant.
Coding change: c.694G>A on transcript NM_002354.3 (MANE Select); coding-DNA position 694, G replaced by A.
Protein change: p.Asp232Asn; replaces aspartic acid 232 with asparagine.
Molecular consequence: missense variant.
Genome position (GRCh38, 1-based): chr2:47,379,805, G>A. VCF-style: chr2-47379805-G-A. GRCh37 (hg19) VCF-style: chr2-47606944-G-A.
Other names: short protein forms D232N.
Identifiers: ClinVar variation 4870513 (VCV004870513.1).